The following is an entry in ClinVar:

NM_012254.3(SLC27A5):c.154G>A (p.Ala52Thr)

Gene: SLC27A5 (solute carrier family 27 member 5; minus strand). Cytogenetic location: 19q13.43.
Variant type: single nucleotide variant.
Coding change: c.154G>A on transcript NM_012254.3 (MANE Select); coding-DNA position 154, G replaced by A.
Protein change: p.Ala52Thr; replaces alanine 52 with threonine.
Molecular consequence: missense variant.
Genome position (GRCh38, 1-based): chr19:58,511,802, C>T on the plus strand (G>A on the coding strand, the complement: SLC27A5 is on the minus strand). VCF-style: chr19-58511802-C-T. GRCh37 (hg19) VCF-style: chr19-59023169-C-T.
Other names: c.154G>A, p.Ala52Thr (NM_001321196.2); short protein forms A52T.
Identifiers: ClinVar variation 2126722 (VCV002126722.4), dbSNP rs2514253567, ClinGen allele CA407956860.

ClinVar aggregate classification (germline): Uncertain significance (1 of 4 stars; one submission).

Submission:

Labcorp Genetics (formerly Invitae), Labcorp
Classification: Uncertain significance. Last evaluated: 2022-04-16. Review status: criteria provided, single submitter. Criteria: Invitae Variant Classification Sherloc (09022015). Collection method: clinical testing. Allele origin: germline.
Comment: This sequence change replaces alanine, which is neutral and non-polar, with threonine, which is neutral and polar, at codon 52 of the SLC27A5 protein (p.Ala52Thr). This variant is not present in population databases (gnomAD no frequency). This variant has not been reported in the literature in individuals affected with SLC27A5-related conditions. Algorithms developed to predict the effect of missense changes on protein structure and function (SIFT, PolyPhen-2, Align-GVGD) all suggest that this variant is likely to be tolerated. In summary, the available evidence is currently insufficient to determine the role of this variant in disease. Therefore, it has been classified as a Variant of Uncertain Significance.